The following is an entry in ClinVar:

NC_000007.14:g.117479841A>G

Genes: CFTR (CF transmembrane conductance regulator; plus strand), LOC111674463 (CFTR promoter region; plus strand). Cytogenetic location: 7q31.2.
Variant type: single nucleotide variant.
Genome position: GRCh38 VCF-style: chr7-117479841-A-G. GRCh37 (hg19) VCF-style: chr7-117119895-A-G.
Identifiers: ClinVar variation 4993265 (VCV004993265.1).

ClinVar aggregate classification (germline): Likely benign (1 of 4 stars; one submission).

Conditions:
CFTR-related disorder (CFTR-RD). Also called: CFTR-related disorders; CFTR-related condition. Identifiers: MedGen C5924204, MONDO:7770004.

Submission:

PreventionGenetics, part of Exact Sciences
Classification: Likely benign for CFTR-related condition. Last evaluated: 2026-03-23. Review status: criteria provided, single submitter. Criteria: ACMG Guidelines, 2015. Collection method: clinical testing. Allele origin: germline.
Comment: This variant is classified as likely benign based on ACMG/AMP sequence variant interpretation guidelines (Richards et al. 2015 PMID: 25741868, with internal and published modifications).